The following is an entry in ClinVar:

NM_001083962.2(TCF4):c.376C>T (p.Leu126Phe)

Gene: TCF4 (transcription factor 4; minus strand). Cytogenetic location: 18q21.2.
Variant type: single nucleotide variant.
Coding change: c.376C>T on transcript NM_001083962.2 (MANE Select); coding-DNA position 376, C replaced by T.
Protein change: p.Leu126Phe; replaces leucine 126 with phenylalanine.
Molecular consequence: missense variant. On other transcripts: 5 prime UTR variant (4).
Genome position (GRCh38, 1-based): chr18:55,350,997, G>A on the plus strand (C>T on the coding strand, the complement: TCF4 is on the minus strand). VCF-style: chr18-55350997-G-A. GRCh37 (hg19) VCF-style: chr18-53018228-G-A.
Other names: c.682C>T, p.Leu228Phe (NM_001243226.3); c.304C>T, p.Leu102Phe (NM_001243227.2, NM_001306207.1, NM_001348217.1 and 9 more transcripts); c.376C>T, p.Leu126Phe (NM_001243228.2, NM_001330604.3, NM_001369567.1 and 5 more transcripts); c.370C>T, p.Leu124Phe (NM_001243230.2); c.250C>T, p.Leu84Phe (NM_001243231.2, NM_001348211.2); c.163C>T, p.Leu55Phe (NM_001243232.1, NM_001306208.1); c.-15C>T (NM_001243233.2, NM_001330605.3, NM_001348212.2 and 1 more transcripts); c.301C>T, p.Leu101Phe (NM_001348220.1, NM_001369584.1, NM_001369585.1 and 3 more transcripts); and 1 more; short protein forms L102F, L126F, L101F, L125F, L84F, L124F, L55F, L228F.
Identifiers: ClinVar variation 3632077 (VCV003632077.2).

ClinVar aggregate classification (germline): Uncertain significance (1 of 4 stars; one submission).

Conditions:
Pitt-Hopkins syndrome (PTHS). Also called: ENCEPHALOPATHY, SEVERE EPILEPTIC, WITH AUTONOMIC DYSFUNCTION; MENTAL RETARDATION, SYNDROMAL, WITH INTERMITTENT HYPERVENTILATION. Identifiers: Orphanet 2896, MedGen C1970431, MONDO:0012589, OMIM 610954.

Submission:

Labcorp Genetics (formerly Invitae), Labcorp
Classification: Uncertain significance for Pitt-Hopkins syndrome. Last evaluated: 2024-01-31. Review status: criteria provided, single submitter. Criteria: Invitae Variant Classification Sherloc (09022015). Collection method: clinical testing. Allele origin: germline.
Comment: This sequence change replaces leucine, which is neutral and non-polar, with phenylalanine, which is neutral and non-polar, at codon 126 of the TCF4 protein (p.Leu126Phe). This variant is not present in population databases (gnomAD no frequency). This variant has not been reported in the literature in individuals affected with TCF4-related conditions. Advanced modeling of protein sequence and biophysical properties (such as structural, functional, and spatial information, amino acid conservation, physicochemical variation, residue mobility, and thermodynamic stability) performed at Invitae indicates that this missense variant is not expected to disrupt TCF4 protein function with a negative predictive value of 95%. In summary, the available evidence is currently insufficient to determine the role of this variant in disease. Therefore, it has been classified as a Variant of Uncertain Significance.